The following is an entry in ClinVar:

ClinVar aggregate classification (germline): Uncertain significance (0 of 4 stars; one submission).

Conditions:
Familial cardiomyopathy. Identifiers: MedGen C0264789, MONDO:0005217.

Allele frequency attached by ClinVar (database versions not stated): gnomAD 0.00001 and 0.00017; TOPMed 0.00003; gnomAD exomes 0.00024; 1000 Genomes Project 30x 0.00172; 1000 Genomes Project 0.00180.

Submission:

Evolutionary and Medical Genetics Laboratory,  Centre for Cellular and Molecular Biology
Classification: Uncertain significance. Review status: no assertion criteria provided. Collection method: not provided. Allele origin: unknown.
ClinVar note: Converted during submission from unknown to Uncertain significance.

NM_000257.4(MYH7):c.1956+112G>A

Gene: MYH7 (myosin heavy chain 7; minus strand). Cytogenetic location: 14q11.2.
Variant type: single nucleotide variant.
Coding change: c.1956+112G>A on transcript NM_000257.4 (MANE Select); 112 bases into the intron after coding-DNA position 1956, G replaced by A.
Molecular consequence: intron variant.
Genome position (GRCh38, 1-based): chr14:23,427,128, C>T on the plus strand (G>A on the coding strand, the complement: MYH7 is on the minus strand). VCF-style: chr14-23427128-C-T. GRCh37 (hg19) VCF-style: chr14-23896337-C-T.
Identifiers: ClinVar variation 132919 (VCV000132919.2), dbSNP rs483352953, ClinGen allele CA011505.